The following is an entry in ClinVar:

NC_000023.10:g.(?_32536105)_(33229429_?)del

Gene: DMD (dystrophin; minus strand). Cytogenetic location: Xp21.1.
Variant type: Deletion.
Identifiers: ClinVar variation 2424819 (VCV002424819.4).

ClinVar aggregate classification (germline): Pathogenic (1 of 4 stars; one submission).

Conditions:
Duchenne muscular dystrophy (DMD). Also called: Duchenne Muscular Dystrophy (DMD); MUSCULAR DYSTROPHY, PSEUDOHYPERTROPHIC PROGRESSIVE, DUCHENNE TYPE. Identifiers: Orphanet 98896, MedGen C0013264, MONDO:0010679, OMIM 310200.

Submission:

Labcorp Genetics (formerly Invitae), Labcorp
Classification: Pathogenic for Duchenne muscular dystrophy. Last evaluated: 2022-06-20. Review status: criteria provided, single submitter. Criteria: Invitae Variant Classification Sherloc (09022015). Collection method: clinical testing. Allele origin: germline.
Comment: This variant is a gross deletion of the genomic region encompassing exon(s) 1-18 of the DMD gene, which includes the initiator codon. This deletion extends beyond the assayed region for this gene and therefore may encompass additional genes. It is expected to result in an absent or disrupted protein product. Loss-of-function variants in DMD are known to be pathogenic (PMID: 16770791, 25007885). A similar copy number variant has been observed in individuals with clinical features of DMD-related conditions (PMID: 21150048, 21520333). For these reasons, this variant has been classified as Pathogenic.

Literature cited by the submitters: PubMed 16770791; PubMed 25007885; PubMed 21150048; PubMed 21520333.